The following is an entry in ClinVar:

NM_001242896.3(DEPDC5):c.1169A>G (p.Asp390Gly)

Gene: DEPDC5 (DEP domain containing 5, GATOR1 subcomplex subunit; plus strand). Cytogenetic location: 22q12.3.
Variant type: single nucleotide variant.
Coding change: c.1169A>G on transcript NM_001242896.3 (MANE Select); coding-DNA position 1169, A replaced by G.
Protein change: p.Asp390Gly; replaces aspartic acid 390 with glycine.
Molecular consequence: missense variant. On other transcripts: non-coding transcript variant (5).
Genome position (GRCh38, 1-based): chr22:31,804,867, A>G. VCF-style: chr22-31804867-A-G. GRCh37 (hg19) VCF-style: chr22-32200853-A-G.
Other names: c.1169A>G, p.Asp390Gly (NM_001007188.4, NM_001136029.4, NM_001242897.2 and 7 more transcripts); c.1085A>G, p.Asp362Gly (NM_001369901.1, NM_001369902.1); short protein forms D362G, D390G.
Identifiers: ClinVar variation 2004111 (VCV002004111.4), dbSNP rs2087323835, ClinGen allele CA411293553.
Genomic context (GRCh38, chr22:31,804,867, plus strand): 5'-GTAGCTTATCTGTGCTCTCATTTTTCTCCTTGCAGCTCCATAATCGGAGTGCTCCCCGTG[A>G]TTCTCGTCTGGGCGATGACTATAATATCCCTCACTGGATAAACCACAGGTGGGTGCGATC-3'
Protein context (NP_001229825.1, residues 380-400): FKLHNRSAPR[Asp390Gly]SRLGDDYNIP

ClinVar aggregate classification (germline): Uncertain significance (1 of 4 stars; one submission).

Conditions:
Familial focal epilepsy with variable foci (FPEVF). Identifiers: Orphanet 98820, MedGen C1858477, MONDO:0020310.

Submission:

Labcorp Genetics (formerly Invitae), Labcorp
Classification: Uncertain significance for Familial focal epilepsy with variable foci. Last evaluated: 2022-08-20. Review status: criteria provided, single submitter. Criteria: Invitae Variant Classification Sherloc (09022015). Collection method: clinical testing. Allele origin: germline.
Comment: This sequence change replaces aspartic acid, which is acidic and polar, with glycine, which is neutral and non-polar, at codon 390 of the DEPDC5 protein (p.Asp390Gly). This variant is not present in population databases (gnomAD no frequency). This variant has not been reported in the literature in individuals affected with DEPDC5-related conditions. Algorithms developed to predict the effect of missense changes on protein structure and function output the following: SIFT: "Tolerated"; PolyPhen-2: "Not Available"; Align-GVGD: "Class C0". The glycine amino acid residue is found in multiple mammalian species, which suggests that this missense change does not adversely affect protein function. In summary, the available evidence is currently insufficient to determine the role of this variant in disease. Therefore, it has been classified as a Variant of Uncertain Significance.